The following is an entry in ClinVar:

NM_006031.6(PCNT):c.6261G>A (p.Gln2087=)

Gene: PCNT (pericentrin; plus strand). Cytogenetic location: 21q22.3.
Variant type: single nucleotide variant.
Coding change: c.6261G>A on transcript NM_006031.6 (MANE Select); coding-DNA position 6261, G replaced by A.
Protein change: p.Gln2087=; no amino-acid change (glutamine 2087 retained).
Molecular consequence: synonymous variant.
Genome position (GRCh38, 1-based): chr21:46,416,179, G>A. VCF-style: chr21-46416179-G-A. GRCh37 (hg19) VCF-style: chr21-47836093-G-A.
Other names: c.5907G>A, p.Gln1969= (NM_001315529.2); c.6261G>A (NM_006031.5).
Identifiers: ClinVar variation 283829 (VCV000283829.15), dbSNP rs181127717, ClinGen allele CA10080293.
Genomic context (GRCh38, chr21:46,416,179, plus strand): 5'-AGCTCAGGTGAAACAGCTTCAGGAAAAACTGAACCGTTTGCTGTATTCCATGACCTTCCA[G>A]AATGTGGATGCTGCCGACACCAAATCTCTGTGGCCCATGGCCTCAGCACACCTGTTGGAG-3'
Protein context (NP_006022.3, residues 2077-2097): LNRLLYSMTF[Gln2087=]NVDAADTKSL

ClinVar aggregate classification (germline): Benign/Likely benign. Review status: criteria provided, multiple submitters, no conflicts (2 of 4 stars). 4 submissions from 4 submitters: Benign (1); Likely benign (2). 1 of the submissions does not count toward it. Last evaluated 2025-12-05.

Conditions:
PCNT-related disorder. Also called: PCNT-related condition.

Allele frequency attached by ClinVar (database versions not stated): gnomAD exomes 0.00006 and 0.00032; TOPMed 0.00018; ExAC 0.00032; 1000 Genomes Project 0.00060; 1000 Genomes Project 30x 0.00062; gnomAD 0.00004 and 0.00005.
gnomAD v4.1: 99 of 1,614,216 alleles (0.0061%); highest among the groups gnomAD compares: Admixed American, 0.16%; no homozygotes.

Submissions (4):

Labcorp Genetics (formerly Invitae), Labcorp
Classification: Benign. Last evaluated: 2025-12-05. Review status: criteria provided, single submitter. Criteria: Invitae Variant Classification Sherloc (09022015). Collection method: clinical testing. Allele origin: germline.

Blueprint Genetics
Classification: Likely benign. Last evaluated: 2024-02-09. Review status: criteria provided, single submitter. Criteria: ACMG Guidelines, 2015. Collection method: clinical testing. Allele origin: germline.

Eurofins Ntd Llc (ga)
Classification: Likely benign. Last evaluated: 2015-10-14. Review status: criteria provided, single submitter. Criteria: EGL Classification Definitions 2015. Collection method: clinical testing. Allele origin: germline. Observed: 1 variant allele, 1 heterozygote.

PreventionGenetics, part of Exact Sciences
Classification: Likely benign for PCNT-related condition. Last evaluated: 2021-09-14. Review status: no assertion criteria provided. Collection method: clinical testing. Allele origin: germline. Not counted in ClinVar's aggregate classification.
Comment: This variant is classified as likely benign based on ACMG/AMP sequence variant interpretation guidelines (Richards et al. 2015 PMID: 25741868, with internal and published modifications).